The following is an entry in ClinVar:

ClinVar aggregate classification (germline): Uncertain significance (1 of 4 stars; one submission).

Conditions:
Alstrom syndrome (ALMS). Identifiers: Orphanet 64, MedGen C0268425, MONDO:0008763, OMIM 203800.

Submission:

Labcorp Genetics (formerly Invitae), Labcorp
Classification: Uncertain significance for Alstrom syndrome. Last evaluated: 2022-06-05. Review status: criteria provided, single submitter. Criteria: Invitae Variant Classification Sherloc (09022015). Collection method: clinical testing. Allele origin: germline.
Comment: This sequence change replaces glycine, which is neutral and non-polar, with arginine, which is basic and polar, at codon 1416 of the ALMS1 protein (p.Gly1416Arg). This variant is not present in population databases (gnomAD no frequency). This variant has not been reported in the literature in individuals affected with ALMS1-related conditions. ClinVar contains an entry for this variant (Variation ID: 1422283). Experimental studies and prediction algorithms are not available or were not evaluated, and the functional significance of this variant is currently unknown. In summary, the available evidence is currently insufficient to determine the role of this variant in disease. Therefore, it has been classified as a Variant of Uncertain Significance.

NM_001378454.1(ALMS1):c.4243G>C (p.Gly1415Arg)

Gene: ALMS1 (ALMS1 centrosome and basal body associated protein; plus strand). Cytogenetic location: 2p13.1.
Variant type: single nucleotide variant.
Coding change: c.4243G>C on transcript NM_001378454.1 (MANE Select); coding-DNA position 4243, G replaced by C.
Protein change: p.Gly1415Arg; replaces glycine 1415 with arginine.
Molecular consequence: missense variant.
Genome position (GRCh38, 1-based): chr2:73,450,770, G>C. VCF-style: chr2-73450770-G-C. GRCh37 (hg19) VCF-style: chr2-73677897-G-C.
Other names: c.4246G>C, p.Gly1416Arg (NM_015120.4); short protein forms G1416R, G1415R.
Identifiers: ClinVar variation 1422283 (VCV001422283.6), dbSNP rs2103781986, ClinGen allele CA347277839.